The following is an entry in ClinVar:

NM_002693.3(POLG):c.1726C>T (p.Leu576Phe)

Gene: POLG (DNA polymerase gamma, catalytic subunit; minus strand). Cytogenetic location: 15q26.1.
Variant type: single nucleotide variant.
Coding change: c.1726C>T on transcript NM_002693.3 (MANE Select); coding-DNA position 1726, C replaced by T.
Protein change: p.Leu576Phe; replaces leucine 576 with phenylalanine.
Molecular consequence: missense variant.
Genome position (GRCh38, 1-based): chr15:89,325,673, G>A on the plus strand (C>T on the coding strand, the complement: POLG is on the minus strand). VCF-style: chr15-89325673-G-A. GRCh37 (hg19) VCF-style: chr15-89868904-G-A.
Other names: c.1726C>T, p.Leu576Phe (NM_001126131.2); short protein forms L576F.
Identifiers: ClinVar variation 3907928 (VCV003907928.1).

ClinVar aggregate classification (germline): Uncertain significance (1 of 4 stars; one submission).

Submission:

GeneDx
Classification: Uncertain significance. Last evaluated: 2024-12-27. Review status: criteria provided, single submitter. Criteria: GeneDx Variant Classification Process June 2021. Collection method: clinical testing. Allele origin: germline. Affected: yes.
Comment: Not observed at significant frequency in large population cohorts (gnomAD); In silico analysis supports that this missense variant has a deleterious effect on protein structure/function; Has not been previously published as pathogenic or benign to our knowledge